The following is an entry in ClinVar:

ClinVar aggregate classification (germline): Uncertain significance. Review status: criteria provided, multiple submitters, no conflicts (2 of 4 stars). 2 submissions from 2 submitters: Uncertain significance (2). Last evaluated 2025-02-25.

Conditions:
Inborn genetic diseases. Identifiers: MedGen C0950123, MeSH D030342.

Allele frequency attached by ClinVar (database versions not stated): gnomAD exomes 0.00001; TOPMed 0.00001.
gnomAD v4.1: 16 of 1,613,642 alleles (0.00099%); highest among the groups gnomAD compares: Admixed American, 0.013%; no homozygotes.

Submissions (2):

Ambry Genetics
Classification: Uncertain significance for Inborn genetic diseases. Last evaluated: 2025-02-25. Review status: criteria provided, single submitter. Criteria: Ambry Variant Classification Scheme 2023. Collection method: clinical testing. Allele origin: germline.

Labcorp Genetics (formerly Invitae), Labcorp
Classification: Uncertain significance. Last evaluated: 2022-06-22. Review status: criteria provided, single submitter. Criteria: Invitae Variant Classification Sherloc (09022015). Collection method: clinical testing. Allele origin: germline.
Comment: In summary, the available evidence is currently insufficient to determine the role of this variant in disease. Therefore, it has been classified as a Variant of Uncertain Significance. Algorithms developed to predict the effect of missense changes on protein structure and function are either unavailable or do not agree on the potential impact of this missense change (SIFT: "Deleterious"; PolyPhen-2: "Probably Damaging"; Align-GVGD: "Class C0"). This variant has not been reported in the literature in individuals affected with BPTF-related conditions. This variant is present in population databases (no rsID available, gnomAD 0.02%). This sequence change replaces lysine, which is basic and polar, with arginine, which is basic and polar, at codon 1925 of the BPTF protein (p.Lys1925Arg).

NM_182641.4(BPTF):c.5396A>G (p.Lys1799Arg)

Gene: BPTF (bromodomain PHD finger transcription factor; plus strand). Cytogenetic location: 17q24.2.
Variant type: single nucleotide variant.
Coding change: c.5396A>G on transcript NM_182641.4 (MANE Select); coding-DNA position 5396, A replaced by G.
Protein change: p.Lys1799Arg; replaces lysine 1799 with arginine.
Molecular consequence: missense variant.
Genome position (GRCh38, 1-based): chr17:67,918,806, A>G. VCF-style: chr17-67918806-A-G. GRCh37 (hg19) VCF-style: chr17-65914922-A-G.
Other names: c.5774A>G, p.Lys1925Arg (NM_004459.7); c.5396A>G (NM_182641.3); short protein forms K1799R, K1925R.
Identifiers: ClinVar variation 1968029 (VCV001968029.6), dbSNP rs1464281868, ClinGen allele CA400733076.
Genomic context (GRCh38, chr17:67,918,806, plus strand): 5'-GAGTGAGCCTGATGTTACGGTTACTGTGGGCAAGTTTGAGATGGGATGATATGGCGGCCA[A>G]GGCTCCTCCAGGAGGAGGGACTACACGGACAGGTAAGGGGGAAGGGAGTTATTTTCTAAT-3'
Protein context (NP_872579.2, residues 1789-1809): ASLRWDDMAA[Lys1799Arg]APPGGGTTRT